The following is an entry in ClinVar:

NM_002473.6(MYH9):c.2254A>G (p.Asn752Asp)

Gene: MYH9 (myosin heavy chain 9; minus strand). Cytogenetic location: 22q12.3.
Variant type: single nucleotide variant.
Coding change: c.2254A>G on transcript NM_002473.6 (MANE Select); coding-DNA position 2254, A replaced by G.
Protein change: p.Asn752Asp; replaces asparagine 752 with aspartic acid.
Molecular consequence: missense variant.
Genome position (GRCh38, 1-based): chr22:36,304,131, T>C on the plus strand (A>G on the coding strand, the complement: MYH9 is on the minus strand). VCF-style: chr22-36304131-T-C. GRCh37 (hg19) VCF-style: chr22-36700177-T-C.
Other names: short protein forms N752D.
Identifiers: ClinVar variation 4746175 (VCV004746175.2).

ClinVar aggregate classification (germline): Uncertain significance. Review status: criteria provided, multiple submitters, no conflicts (2 of 4 stars). 2 submissions from 2 submitters: Uncertain significance (2). Last evaluated 2025-07-20.

Submissions (2):

Labcorp Genetics (formerly Invitae), Labcorp
Classification: Uncertain significance. Last evaluated: 2025-07-20. Review status: criteria provided, single submitter. Criteria: Invitae Variant Classification Sherloc (09022015). Collection method: clinical testing. Allele origin: germline.
Comment: This sequence change replaces asparagine, which is neutral and polar, with aspartic acid, which is acidic and polar, at codon 752 of the MYH9 protein (p.Asn752Asp). This variant is not present in population databases (gnomAD no frequency). This variant has not been reported in the literature in individuals affected with MYH9-related conditions. Invitae Evidence Modeling of protein sequence and biophysical properties (such as structural, functional, and spatial information, amino acid conservation, physicochemical variation, residue mobility, and thermodynamic stability) indicates that this missense variant is not expected to disrupt MYH9 protein function with a negative predictive value of 95%. In summary, the available evidence is currently insufficient to determine the role of this variant in disease. Therefore, it has been classified as a Variant of Uncertain Significance.

Blueprint Genetics
Classification: Uncertain significance. Last evaluated: 2020-06-06. Review status: criteria provided, single submitter. Criteria: ACMG Guidelines, 2015. Collection method: clinical testing. Allele origin: germline.